The following is an entry in ClinVar:

NM_004064.5(CDKN1B):c.326T>C (p.Val109Ala)

Gene: CDKN1B (cyclin dependent kinase inhibitor 1B; plus strand). Cytogenetic location: 12p13.1.
Variant type: single nucleotide variant.
Coding change: c.326T>C on transcript NM_004064.5 (MANE Select); coding-DNA position 326, T replaced by C.
Protein change: p.Val109Ala; replaces valine 109 with alanine.
Molecular consequence: missense variant.
Genome position (GRCh38, 1-based): chr12:12,718,165, T>C. VCF-style: chr12-12718165-T-C. GRCh37 (hg19) VCF-style: chr12-12871099-T-C.
Other names: c.326T>C (NM_004064.3); short protein forms V109A.
Identifiers: ClinVar variation 947670 (VCV000947670.7), dbSNP rs2066827, ClinGen allele CA6457463.
Genomic context (GRCh38, chr12:12,718,165, plus strand): 5'-ACAGACCCCCGCGGCCCCCCAAAGGTGCCTGCAAGGTGCCGGCGCAGGAGAGCCAGGATG[T>C]CAGCGGGAGCCGCCCGGCGGCGCCTTTAATTGGGGCTCCGGCTAACTCTGAGGACACGCA-3'
Protein context (NP_004055.1, residues 99-119): CKVPAQESQD[Val109Ala]SGSRPAAPLI

ClinVar aggregate classification (germline): Conflicting classifications of pathogenicity. Review status: criteria provided, conflicting classifications (1 of 4 stars). 2 submissions from 2 submitters: Uncertain significance (1); Likely benign (1). Last evaluated 2024-02-23.

Conditions:
Hereditary cancer-predisposing syndrome. Also called: Neoplastic Syndromes, Hereditary; Hereditary neoplastic syndrome; Hereditary Cancer Syndrome; Tumor predisposition. Identifiers: Orphanet 140162, MedGen C0027672, MeSH D009386, MONDO:0015356.
Multiple endocrine neoplasia type 4. Also called: MULTIPLE ENDOCRINE NEOPLASIA, TYPE IV. Identifiers: Orphanet 276152, MedGen C1970712, MONDO:0012552, OMIM 610755.

gnomAD v4.1: 13 of 1,613,370 alleles (0.00081%); highest among the groups gnomAD compares: South Asian, 0.013%; no homozygotes.

Submissions (2):

Ambry Genetics
Classification: Likely benign for Hereditary cancer-predisposing syndrome. Last evaluated: 2024-02-23. Review status: criteria provided, single submitter. Criteria: Ambry Variant Classification Scheme 2023. Collection method: clinical testing. Allele origin: germline.

Labcorp Genetics (formerly Invitae), Labcorp
Classification: Uncertain significance for Multiple endocrine neoplasia type 4. Last evaluated: 2021-09-01. Review status: criteria provided, single submitter. Criteria: Invitae Variant Classification Sherloc (09022015). Collection method: clinical testing. Allele origin: germline.
Comment: This sequence change replaces valine with alanine at codon 109 of the CDKN1B protein (p.Val109Ala). The valine residue is highly conserved and there is a small physicochemical difference between valine and alanine. This variant is present in population databases (rs2066827, ExAC 0.01%). This variant has not been reported in the literature in individuals affected with CDKN1B-related conditions. Algorithms developed to predict the effect of missense changes on protein structure and function output the following: SIFT: "Tolerated"; PolyPhen-2: "Benign"; Align-GVGD: "Class C0". The alanine amino acid residue is found in multiple mammalian species, which suggests that this missense change does not adversely affect protein function. In summary, the available evidence is currently insufficient to determine the role of this variant in disease. Therefore, it has been classified as a Variant of Uncertain Significance.